The following is an entry in ClinVar:

NM_007294.4(BRCA1):c.2614T>C (p.Phe872Leu)

Gene: BRCA1 (BRCA1 DNA repair associated; minus strand). Cytogenetic location: 17q21.31.
Variant type: single nucleotide variant.
Coding change: c.2614T>C on transcript NM_007294.4 (MANE Select); coding-DNA position 2614, T replaced by C.
Protein change: p.Phe872Leu; replaces phenylalanine 872 with leucine.
Molecular consequence: missense variant. On other transcripts: intron variant (137).
Genome position (GRCh38, 1-based): chr17:43,092,917, A>G on the plus strand (T>C on the coding strand, the complement: BRCA1 is on the minus strand). VCF-style: chr17-43092917-A-G. GRCh37 (hg19) VCF-style: chr17-41244934-A-G.
Other names: c.2614T>C, p.Phe872Leu (NM_001407594.1, NM_001407596.1, NM_001407597.1 and 30 more transcripts); c.2611T>C, p.Phe871Leu (NM_001407610.1, NM_001407611.1, NM_001407612.1 and 22 more transcripts); c.2401T>C, p.Phe801Leu (NM_001407571.1, NM_001407853.1, NM_001407894.1 and 9 more transcripts); c.2605T>C, p.Phe869Leu (NM_001407646.1, NM_001407647.1); c.2491T>C, p.Phe831Leu (NM_001407648.1, NM_001407664.1, NM_001407665.1 and 19 more transcripts); c.2488T>C, p.Phe830Leu (NM_001407649.1, NM_001407670.1, NM_001407671.1 and 11 more transcripts); c.2536T>C, p.Phe846Leu (NM_001407653.1, NM_001407654.1, NM_001407655.1 and 4 more transcripts); c.2533T>C, p.Phe845Leu (NM_001407659.1, NM_001407660.1, NM_001407661.1 and 1 more transcripts); and 41 more; short protein forms F825L, F872L, F576L, F744L, F783L, F801L, F805L, F845L.
Identifiers: ClinVar variation 1002750 (VCV001002750.11), dbSNP rs2053728394, ClinGen allele CA10596770.

ClinVar aggregate classification (germline): Conflicting classifications of pathogenicity. Review status: criteria provided, conflicting classifications (1 of 4 stars). 3 submissions from 3 submitters: Uncertain significance (2); Likely benign (1). Last evaluated 2024-10-12.

Conditions:
Hereditary cancer-predisposing syndrome. Also called: Neoplastic Syndromes, Hereditary; Tumor predisposition; Hereditary Cancer Syndrome; Hereditary neoplastic syndrome. Identifiers: Orphanet 140162, MedGen C0027672, MeSH D009386, MONDO:0015356.
Hereditary breast ovarian cancer syndrome. Also called: Hereditary breast and ovarian cancer syndrome; Hereditary breast and/or ovarian cancer syndrome; Hereditary breast and ovarian cancer syndrome (HBOC); Breast and ovarian cancer; BRCA1- and BRCA2-Associated Hereditary Breast and Ovarian Cancer; Hereditary breast and ovarian cancer. Identifiers: Orphanet 145, MedGen C0677776, MeSH D061325, MONDO:0003582. Disease mechanism: loss of function.

Submissions (3):

Ambry Genetics
Classification: Uncertain significance for Hereditary cancer-predisposing syndrome. Last evaluated: 2024-10-12. Review status: criteria provided, single submitter. Criteria: Ambry Variant Classification Scheme 2023. Collection method: clinical testing. Allele origin: germline.
Comment: The p.F872L variant (also known as c.2614T>C), located in coding exon 9 of the BRCA1 gene, results from a T to C substitution at nucleotide position 2614. The phenylalanine at codon 872 is replaced by leucine, an amino acid with highly similar properties. This amino acid position is conserved. In addition, the in silico prediction for this alteration is inconclusive. Based on the available evidence, the clinical significance of this variant remains unclear.

Labcorp Genetics (formerly Invitae), Labcorp
Classification: Uncertain significance for Hereditary breast ovarian cancer syndrome. Last evaluated: 2024-06-13. Review status: criteria provided, single submitter. Criteria: Invitae Variant Classification Sherloc (09022015). Collection method: clinical testing. Allele origin: germline.
Comment: This sequence change replaces phenylalanine, which is neutral and non-polar, with leucine, which is neutral and non-polar, at codon 872 of the BRCA1 protein (p.Phe872Leu). This variant is not present in population databases (gnomAD no frequency). This variant has not been reported in the literature in individuals affected with BRCA1-related conditions. ClinVar contains an entry for this variant (Variation ID: 1002750). Advanced modeling of protein sequence and biophysical properties (such as structural, functional, and spatial information, amino acid conservation, physicochemical variation, residue mobility, and thermodynamic stability) performed at Invitae indicates that this missense variant is not expected to disrupt BRCA1 protein function with a negative predictive value of 95%. In summary, the available evidence is currently insufficient to determine the role of this variant in disease. Therefore, it has been classified as a Variant of Uncertain Significance.

University of Washington Department of Laboratory Medicine, University of Washington
Classification: Likely benign for Hereditary cancer-predisposing syndrome. Last evaluated: 2023-03-23. Review status: criteria provided, single submitter. Criteria: Dines et al. (Genet Med. 2020). Collection method: curation. Allele origin: germline.
Comment: Missense variant in a coldspot region where missense variants are very unlikely to be pathogenic (PMID:31911673).

BRCA1 coldspot (exon 11 using historical exon numbering). Reclassification based on statistical prior probability